The following is an entry in ClinVar:

ClinVar aggregate classification (germline): Uncertain significance (1 of 4 stars; one submission).

Allele frequency attached by ClinVar (database versions not stated): gnomAD exomes below 0.00001; TOPMed below 0.00001; gnomAD 0.00001.

Submission:

Labcorp Genetics (formerly Invitae), Labcorp
Classification: Uncertain significance. Last evaluated: 2022-03-06. Review status: criteria provided, single submitter. Criteria: Invitae Variant Classification Sherloc (09022015). Collection method: clinical testing. Allele origin: germline.
Comment: In summary, the available evidence is currently insufficient to determine the role of this variant in disease. Therefore, it has been classified as a Variant of Uncertain Significance. Algorithms developed to predict the effect of missense changes on protein structure and function (SIFT, PolyPhen-2, Align-GVGD) all suggest that this variant is likely to be disruptive. This variant has not been reported in the literature in individuals affected with AP3B2-related conditions. This variant is not present in population databases (gnomAD no frequency). This sequence change replaces valine, which is neutral and non-polar, with glutamic acid, which is acidic and polar, at codon 462 of the AP3B2 protein (p.Val462Glu).

NM_001278512.2(AP3B2):c.1385T>A (p.Val462Glu)

Genes: AP3B2 (adaptor related protein complex 3 subunit beta 2; minus strand), CPEB1-AS1 (CPEB1 antisense RNA 1; plus strand). Cytogenetic location: 15q25.2.
Variant type: single nucleotide variant.
Coding change: c.1385T>A on transcript NM_001278512.2 (MANE Select); coding-DNA position 1385, T replaced by A.
Protein change: p.Val462Glu; replaces valine 462 with glutamic acid.
Molecular consequence: missense variant.
Genome position (GRCh38, 1-based): chr15:82,677,377, A>T on the plus strand (T>A on the coding strand, the complement: AP3B2 is on the minus strand). VCF-style: chr15-82677377-A-T. GRCh37 (hg19) VCF-style: chr15-83346129-A-T.
Other names: c.1289T>A, p.Val430Glu (NM_001278511.2); c.1385T>A, p.Val462Glu (NM_004644.5); short protein forms V430E, V462E.
Identifiers: ClinVar variation 2107491 (VCV002107491.4), dbSNP rs2048260805, ClinGen allele CA393316238.